The following is an entry in ClinVar:

NM_004082.5(DCTN1):c.3700-6C>A

Gene: DCTN1 (dynactin subunit 1; minus strand). Cytogenetic location: 2p13.1.
Variant type: single nucleotide variant.
Coding change: c.3700-6C>A on transcript NM_004082.5 (MANE Select); 6 bases into the intron before coding-DNA position 3700, C replaced by A.
Molecular consequence: intron variant.
Genome position (GRCh38, 1-based): chr2:74,361,642, G>T on the plus strand (C>A on the coding strand, the complement: DCTN1 is on the minus strand). VCF-style: chr2-74361642-G-T. GRCh37 (hg19) VCF-style: chr2-74588769-G-T.
Other names: c.3700-6C>A (NM_004082.4); c.3574-6C>A (NM_001190836.2); c.3631-6C>A (NM_001378992.1); c.3649-6C>A (NM_001378991.1); c.3625-6C>A (NM_001135040.3); c.3679-6C>A (NM_001190837.2); c.3283-6C>A (NM_001135041.3); c.3298-6C>A (NM_023019.4).
Identifiers: ClinVar variation 2080849 (VCV002080849.6), dbSNP rs371163273, ClinGen allele CA1721372.
Genomic context (GRCh38, chr2:74,361,642, plus strand): 5'-ATGAGAAGGTCACTTTGCCCATGTAGACTGTGTCATCCTGCTGCTCCTCCTTGGCCTGGT[G>T]GTTGATGAGGAGAAAAAGACTCCAGGTCAGGGGCTCACTTGAGCTGTGGGCCACTGAAGG-3'

ClinVar aggregate classification (germline): Conflicting classifications of pathogenicity. Review status: criteria provided, conflicting classifications (1 of 4 stars). 3 submissions from 3 submitters: Uncertain significance (2); Likely benign (1). Last evaluated 2025-02-15.

Conditions:
Perry syndrome. Also called: PARKINSONISM WITH ALVEOLAR HYPOVENTILATION AND MENTAL DEPRESSION. Identifiers: Orphanet 178509, MedGen C1868594, MONDO:0008201, OMIM 168605.
Neuronopathy, distal hereditary motor, type 7B. Also called: HMN VIIB; NEURONOPATHY, DISTAL HEREDITARY MOTOR, AUTOSOMAL DOMINANT 14; NEURONOPATHY, DISTAL HEREDITARY MOTOR, HARDING TYPE VIIB; NEUROPATHY, DISTAL HEREDITARY MOTOR, HARDING TYPE VIIB; NEUROPATHY, DISTAL HEREDITARY MOTOR, WITH VOCAL CORD PARALYSIS, HARDING TYPE VIIB; Distal Hereditary Motor Neuronopathy Type 7B (dHMN7B). Identifiers: Orphanet 139589, MedGen C1843315, MONDO:0011879, OMIM 607641.
Amyotrophic lateral sclerosis type 1 (ALS1). Also called: AMYOTROPHIC LATERAL SCLEROSIS 1, FAMILIAL. Identifiers: Orphanet 803, MedGen C1862939, MONDO:0007103, OMIM 105400.
DCTN1-related disorder. Also called: DCTN1-related condition.

Allele frequency attached by ClinVar (database versions not stated): ESP Exome Variant Server 0.00015.
gnomAD v4.1: 25 of 1,613,986 alleles (0.0015%); highest among the groups gnomAD compares: Non-Finnish European, 0.0021%; no homozygotes.

Submissions (3):

Labcorp Genetics (formerly Invitae), Labcorp
Classification: Likely benign for Amyotrophic lateral sclerosis type 1; Neuronopathy, distal hereditary motor, type 7B; Perry syndrome. Last evaluated: 2025-02-15. Review status: criteria provided, single submitter. Criteria: Invitae Variant Classification Sherloc (09022015). Collection method: clinical testing. Allele origin: germline.

PreventionGenetics, part of Exact Sciences
Classification: Uncertain significance for DCTN1-related condition. Last evaluated: 2025-01-02. Review status: criteria provided, single submitter. Criteria: ACMG Guidelines, 2015. Collection method: clinical testing. Allele origin: germline.
Comment: The DCTN1 c.3700-6C>A variant is predicted to interfere with splicing. To our knowledge, this variant has not been reported in the literature. This variant is reported in 0.0027% of alleles in individuals of European (non-Finnish) descent in gnomAD. At this time, the clinical significance of this variant is uncertain due to the absence of conclusive functional and genetic evidence.

Athena Diagnostics
Classification: Uncertain significance. Last evaluated: 2023-10-10. Review status: criteria provided, single submitter. Criteria: Athena Diagnostics Criteria. Collection method: clinical testing. Allele origin: unknown.
Comment: Available data are insufficient to determine the clinical significance of the variant at this time. The frequency of this variant in the general population is uninformative in assessment of its pathogenicity. This variant has been seen where an alternate explanation for disease was also identified, suggesting this variant may not cause disease. Computational tools yielded inconclusive predictions regarding the effect of this variant on RNA splicing.